The following is an entry in ClinVar:

ClinVar aggregate classification (germline): Uncertain significance (1 of 4 stars; one submission).

Submission:

Labcorp Genetics (formerly Invitae), Labcorp
Classification: Uncertain significance. Last evaluated: 2025-03-03. Review status: criteria provided, single submitter. Criteria: Invitae Variant Classification Sherloc (09022015). Collection method: clinical testing. Allele origin: germline.
Comment: This sequence change replaces phenylalanine, which is neutral and non-polar, with leucine, which is neutral and non-polar, at codon 21 of the CIB2 protein (p.Phe21Leu). This variant is not present in population databases (gnomAD no frequency). This variant has not been reported in the literature in individuals affected with CIB2-related conditions. ClinVar contains an entry for this variant (Variation ID: 1489008). An algorithm developed to predict the effect of missense changes on protein structure and function (PolyPhen-2) suggests that this variant is likely to be disruptive. In summary, the available evidence is currently insufficient to determine the role of this variant in disease. Therefore, it has been classified as a Variant of Uncertain Significance.

NM_006383.4(CIB2):c.61T>C (p.Phe21Leu)

Gene: CIB2 (calcium and integrin binding family member 2; minus strand). Cytogenetic location: 15q25.1.
Variant type: single nucleotide variant.
Coding change: c.61T>C on transcript NM_006383.4 (MANE Select); coding-DNA position 61, T replaced by C.
Protein change: p.Phe21Leu; replaces phenylalanine 21 with leucine.
Molecular consequence: missense variant. On other transcripts: non-coding transcript variant (1), intron variant (2).
Genome position (GRCh38, 1-based): chr15:78,123,730, A>G on the plus strand (T>C on the coding strand, the complement: CIB2 is on the minus strand). VCF-style: chr15-78123730-A-G. GRCh37 (hg19) VCF-style: chr15-78416072-A-G.
Other names: c.61T>C, p.Phe21Leu (NM_001301224.2); c.51+7435T>C (NM_001271889.2); c.-44+7435T>C (NM_001271888.2); short protein forms F21L.
Identifiers: ClinVar variation 1489008 (VCV001489008.6), dbSNP rs2141913460, ClinGen allele CA393550454.